The following is an entry in ClinVar:

NM_000179.3(MSH6):c.957G>C (p.Thr319=)

Gene: MSH6 (mutS homolog 6; plus strand). Cytogenetic location: 2p16.3.
Variant type: single nucleotide variant.
Coding change: c.957G>C on transcript NM_000179.3 (MANE Select); coding-DNA position 957, G replaced by C.
Protein change: p.Thr319=; no amino-acid change (threonine 319 retained).
Molecular consequence: synonymous variant.
Genome position (GRCh38, 1-based): chr2:47,798,940, G>C. VCF-style: chr2-47798940-G-C. GRCh37 (hg19) VCF-style: chr2-48026079-G-C.
Other names: c.567G>C, p.Thr189= (NM_001281492.2); c.51G>C, p.Thr17= (NM_001281493.2, NM_001281494.2).
Identifiers: ClinVar variation 237216 (VCV000237216.22), dbSNP rs375210430, ClinGen allele CA073641.

ClinVar aggregate classification (germline): Benign/Likely benign. Review status: criteria provided, multiple submitters, no conflicts (2 of 4 stars). 8 submissions from 8 submitters: Benign (2); Likely benign (5). 1 of the submissions does not count toward it. Last evaluated 2026-02-08.

Conditions:
MSH6-related disorder. Also called: MSH6-related condition; MSH6-Related disorders.
Hereditary nonpolyposis colorectal neoplasms. Identifiers: MedGen C0009405, MeSH D003123.
Hereditary cancer-predisposing syndrome. Also called: Neoplastic Syndromes, Hereditary; Hereditary neoplastic syndrome; Hereditary Cancer Syndrome; Tumor predisposition. Identifiers: Orphanet 140162, MedGen C0027672, MeSH D009386, MONDO:0015356.
Lynch syndrome. Identifiers: Orphanet 144, MedGen C4552100, MONDO:0005835. Disease mechanism: loss of function.
Lynch syndrome 5 (LYNCH5). Also called: Colorectal cancer, hereditary nonpolyposis, type 5; Hereditary non-polyposis colorectal cancer, type 5. Identifiers: Orphanet 144, MedGen C1833477, MONDO:0013710, OMIM 614350. Disease mechanism: loss of function.

Allele frequency attached by ClinVar (database versions not stated): TOPMed 0.00001; gnomAD 0.00002.
gnomAD v4.1: 42 of 1,614,030 alleles (0.0026%); highest among the groups gnomAD compares: Non-Finnish European, 0.0034%; no homozygotes.

Submissions (8):

PreventionGenetics, part of Exact Sciences
Classification: Likely benign for MSH6-related condition. Last evaluated: 2026-02-08. Review status: criteria provided, single submitter. Criteria: ACMG Guidelines, 2015. Collection method: clinical testing. Allele origin: germline.
Comment: This variant is classified as likely benign based on ACMG/AMP sequence variant interpretation guidelines (Richards et al. 2015 PMID: 25741868, with internal and published modifications).

Labcorp Genetics (formerly Invitae), Labcorp
Classification: Likely benign for Hereditary nonpolyposis colorectal neoplasms. Last evaluated: 2025-12-16. Review status: criteria provided, single submitter. Criteria: Invitae Variant Classification Sherloc (09022015). Collection method: clinical testing. Allele origin: germline.

Myriad Genetics, Inc.
Classification: Benign for Lynch syndrome 5. Last evaluated: 2024-12-20. Review status: criteria provided, single submitter. Criteria: Myriad Autosomal Dominant, Autosomal Recessive and X-Linked Classification Criteria (2023). Collection method: clinical testing. Allele origin: unknown.
Comment: This variant is considered benign. This variant is a silent/synonymous amino acid change and it is not expected to impact splicing.

Blueprint Genetics
Classification: Likely benign. Last evaluated: 2024-11-22. Review status: criteria provided, single submitter. Criteria: ACMG Guidelines, 2015. Collection method: clinical testing. Allele origin: germline.

Color Diagnostics, LLC DBA Color Health
Classification: Likely benign for Hereditary cancer-predisposing syndrome. Last evaluated: 2017-07-26. Review status: criteria provided, single submitter. Criteria: ACMG Guidelines, 2015. Collection method: clinical testing. Allele origin: germline.

GeneDx
Classification: Benign. Last evaluated: 2015-05-26. Review status: criteria provided, single submitter. Criteria: GeneDx Variant Classification (06012015). Collection method: clinical testing. Allele origin: germline. Affected: yes.
Comment: This variant is considered likely benign or benign based on one or more of the following criteria: it is a conservative change, it occurs at a poorly conserved position in the protein, it is predicted to be benign by multiple in silico algorithms, and/or has population frequency not consistent with disease.

Ambry Genetics
Classification: Likely benign for Hereditary cancer-predisposing syndrome. Last evaluated: 2015-03-20. Review status: criteria provided, single submitter. Criteria: Ambry Variant Classification Scheme 2023. Collection method: clinical testing. Allele origin: germline.

Department of Pathology and Laboratory Medicine, Sinai Health System
Classification: Likely benign for Lynch syndrome. Review status: no assertion criteria provided. Collection method: clinical testing. Allele origin: unknown. Affected: yes. Observed: 1 variant allele. Study: The Canadian Open Genetics Repository (COGR). Not counted in ClinVar's aggregate classification.
Comment: The MSH6 p.Thr319= variant was not identified in the literature nor was it identified in the COGR, Cosmic, UMD-LSDB, Zhejiang University Database, Mismatch Repair Genes Variant Database, or Insight Hereditary Tumors Database. The variant was identified in dbSNP (ID: rs375210430) as "With Likely benign allele", and in ClinVar (classified as likely benign by Invitae, Ambry Genetcs, Color Genomics, GeneDx). The variant was identified in control databases in 4 of 246054 chromosomes at a frequency of 0.00002 (Genome Aggregation Database Feb 27, 2017). The variant was observed in the following populations: Latino in 1 of 33574 chromosomes (freq: 0.00003), European in 3 of 111556 chromosomes (freq: 0.00003), it was not observed in the African, Other, Ashkenazi Jewish, East Asian, Finnish, and South Asian populations. The p.Thr319= variant is not expected to have clinical significance because it does not result in a change of amino acid and is not located in a known consensus splice site. In addition, in silico or computational prediction software programs (SpliceSiteFinder, MaxEntScan, NNSPLICE, GeneSplicer) do not predict a difference in splicing. In summary, based on the above information the clinical significance of this variant cannot be determined with certainty at this time although we would lean towards a more benign role for this variant. This variant is classified as likely benign.